The following is an entry in ClinVar:

NM_004793.4(LONP1):c.1639T>C (p.Phe547Leu)

Gene: LONP1 (lon peptidase 1, mitochondrial; minus strand). Cytogenetic location: 19p13.3.
Variant type: single nucleotide variant.
Coding change: c.1639T>C on transcript NM_004793.4 (MANE Select); coding-DNA position 1639, T replaced by C.
Protein change: p.Phe547Leu; replaces phenylalanine 547 with leucine.
Molecular consequence: missense variant. On other transcripts: non-coding transcript variant (1).
Genome position (GRCh38, 1-based): chr19:5,699,073, A>G on the plus strand (T>C on the coding strand, the complement: LONP1 is on the minus strand). VCF-style: chr19-5699073-A-G. GRCh37 (hg19) VCF-style: chr19-5699084-A-G.
Other names: c.1447T>C, p.Phe483Leu (NM_001276479.2); c.1051T>C, p.Phe351Leu (NM_001276480.1); short protein forms F351L, F547L, F483L.
Identifiers: ClinVar variation 1512014 (VCV001512014.8), dbSNP rs779275628, ClinGen allele CA9114602.

ClinVar aggregate classification (germline): Uncertain significance (1 of 4 stars; one submission).

Allele frequency attached by ClinVar (database versions not stated): gnomAD exomes 0.00001 and 0.00002; ExAC 0.00003.
gnomAD v4.1: 14 of 1,609,148 alleles (0.00087%); highest among the groups gnomAD compares: South Asian, 0.0011%; no homozygotes.

Submission:

Labcorp Genetics (formerly Invitae), Labcorp
Classification: Uncertain significance. Last evaluated: 2021-02-19. Review status: criteria provided, single submitter. Criteria: Invitae Variant Classification Sherloc (09022015). Collection method: clinical testing. Allele origin: germline.
Comment: In summary, the available evidence is currently insufficient to determine the role of this variant in disease. Therefore, it has been classified as a Variant of Uncertain Significance. Algorithms developed to predict the effect of missense changes on protein structure and function are either unavailable or do not agree on the potential impact of this missense change (SIFT: "Deleterious"; PolyPhen-2: "Probably Damaging"; Align-GVGD: "Class C0"). This sequence change replaces phenylalanine with leucine at codon 547 of the LONP1 protein (p.Phe547Leu). The phenylalanine residue is highly conserved and there is a small physicochemical difference between phenylalanine and leucine. This variant is present in population databases (rs779275628, ExAC 0.05%). This variant has not been reported in the literature in individuals with LONP1-related conditions.